The following is an entry in ClinVar:

ClinVar aggregate classification (germline): Pathogenic (1 of 4 stars; one submission).

Conditions:
Focal segmental glomerulosclerosis 7 (FSGS7). Identifiers: Orphanet 656, MedGen C4014925, MONDO:0014451, OMIM 616002.
Renal coloboma syndrome (PAPRS). Also called: PAPILLORENAL SYNDROME; CONGENITAL ANOMALIES OF THE KIDNEY AND URINARY TRACT WITH OR WITHOUT OCULAR ABNORMALITIES; CAKUT WITH OR WITHOUT OCULAR ABNORMALITIES; PAPILLORENAL SYNDROME WITH MILD OCULAR ABNORMALITIES; COLOBOMA OF OPTIC NERVE WITH RENAL DISEASE; OPTIC COLOBOMA, VESICOURETERAL REFLUX, AND RENAL ANOMALIES. Identifiers: Orphanet 1475, MedGen C1852759, MONDO:0007352, OMIM 120330.

Submission:

Labcorp Genetics (formerly Invitae), Labcorp
Classification: Pathogenic for Renal coloboma syndrome; Focal segmental glomerulosclerosis 7. Last evaluated: 2022-09-13. Review status: criteria provided, single submitter. Criteria: Invitae Variant Classification Sherloc (09022015). Collection method: clinical testing. Allele origin: germline.
Comment: For these reasons, this variant has been classified as Pathogenic. This variant has not been reported in the literature in individuals affected with PAX2-related conditions. This variant is not present in population databases (gnomAD no frequency). This sequence change creates a premature translational stop signal (p.Tyr250*) in the PAX2 gene. It is expected to result in an absent or disrupted protein product. Loss-of-function variants in PAX2 are known to be pathogenic (PMID: 11461952, 24676634).

Literature cited by the submitters: PubMed 11461952; PubMed 24676634.

NM_000278.5(PAX2):c.750C>A (p.Tyr250Ter)

Gene: PAX2 (paired box 2; plus strand). Cytogenetic location: 10q24.31.
Variant type: single nucleotide variant.
Coding change: c.750C>A on transcript NM_000278.5 (MANE Select); coding-DNA position 750, C replaced by A.
Protein change: p.Tyr250Ter; replaces tyrosine 250 with a stop codon.
Molecular consequence: nonsense.
Genome position (GRCh38, 1-based): chr10:100,806,563, C>A. VCF-style: chr10-100806563-C-A. GRCh37 (hg19) VCF-style: chr10-102566320-C-A.
Other names: c.843C>A, p.Tyr281Ter (NM_001304569.2); c.819C>A, p.Tyr273Ter (NM_003987.5, NM_003990.5); c.750C>A, p.Tyr250Ter (NM_003988.5, NM_003989.5); short protein forms Y273*, Y281*, Y250*.
Identifiers: ClinVar variation 1938485 (VCV001938485.5), dbSNP rs2493149922, ClinGen allele CA378259130.